The following is an entry in ClinVar:

ClinVar aggregate classification (germline): Uncertain significance (1 of 4 stars; one submission).

Conditions:
Developmental and epileptic encephalopathy, 31A. Also called: Developmental and epileptic encephalopathy, 31; Epileptic encephalopathy, early infantile, 31. Identifiers: Orphanet 2382, MedGen C4225357, MONDO:0014598, OMIM 616346.

Submission:

Labcorp Genetics (formerly Invitae), Labcorp
Classification: Uncertain significance for Developmental and epileptic encephalopathy, 31A. Last evaluated: 2024-05-23. Review status: criteria provided, single submitter. Criteria: Invitae Variant Classification Sherloc (09022015). Collection method: clinical testing. Allele origin: germline.
Comment: This sequence change replaces aspartic acid, which is acidic and polar, with histidine, which is basic and polar, at codon 710 of the DNM1 protein (p.Asp710His). This variant is not present in population databases (gnomAD no frequency). This variant has not been reported in the literature in individuals affected with DNM1-related conditions. ClinVar contains an entry for this variant (Variation ID: 1399010). Advanced modeling of protein sequence and biophysical properties (such as structural, functional, and spatial information, amino acid conservation, physicochemical variation, residue mobility, and thermodynamic stability) has been performed at Invitae for this missense variant, however the output from this modeling did not meet the statistical confidence thresholds required to predict the impact of this variant on DNM1 protein function. In summary, the available evidence is currently insufficient to determine the role of this variant in disease. Therefore, it has been classified as a Variant of Uncertain Significance.

NM_004408.4(DNM1):c.2128G>C (p.Asp710His)

Gene: DNM1 (dynamin 1; plus strand). Cytogenetic location: 9q34.11.
Variant type: single nucleotide variant.
Coding change: c.2128G>C on transcript NM_004408.4 (MANE Select); coding-DNA position 2128, G replaced by C.
Protein change: p.Asp710His; replaces aspartic acid 710 with histidine.
Molecular consequence: missense variant.
Genome position (GRCh38, 1-based): chr9:128,250,166, G>C. VCF-style: chr9-128250166-G-C. GRCh37 (hg19) VCF-style: chr9-131012445-G-C.
Other names: c.2128G>C, p.Asp710His (NM_001005336.3, NM_001288737.2, NM_001288738.2 and 2 more transcripts); short protein forms D710H.
Identifiers: ClinVar variation 1399010 (VCV001399010.6), dbSNP rs2131297334, ClinGen allele CA375000742.
Genomic context (GRCh38, chr9:128,250,166, plus strand): 5'-TACTCGCAGACCAAGGAGTTCATCTTCTCGGAGCTGCTGGCCAACCTGTACTCGTGTGGG[G>C]ACCAGAACACGCTGATGGAGGAGTCGGCGGAGCAGGCACAGCGGCGCGACGAGATGCTGC-3'
Protein context (NP_004399.2, residues 700-720): ELLANLYSCG[Asp710His]QNTLMEESAE